The following is an entry in ClinVar:

ClinVar aggregate classification (germline): Likely pathogenic (0 of 4 stars; one submission).

Conditions:
Snijders blok-fisher syndrome. Identifiers: Orphanet 656135, MedGen C5231424, MONDO:0032830, OMIM 618604.

Submission:

Diagnostics Centre, Carl Von Ossietzky University Oldenburg
Classification: Likely pathogenic for Snijders blok-fisher syndrome. Last evaluated: 2025-02-21. Review status: no assertion criteria provided. Collection method: clinical testing. Allele origin: germline. Affected: yes. Observed: 1 variant allele.
Comment: The variant POU3F3:c.1220G>A p.(Arg407His) which is located in the coding exon 1 of the POU3F3 gene, results from a guanine to adenine substitution at nucleotide position c.1220. The arginine at protein position 407 is replaced by a cysteine. The affected position is located in the functionally essential homeodomain of the protein. In silico tools predict a severe deleterious effect in the protein structure/function (REVEL = 0,955). A colocalized missense variant (Arg407Leu; rs1573320988) was previously described as pathogenic in two entries on ClinVar (Clinvar ID 691583). This variant has not yet been described in ClinVar or any other scientific publication known to us. The variant is classified as very rare since it is absent in gnomAD v4.1.0. In summary, the variant is classified as Likely pathogenic.

NM_006236.3(POU3F3):c.1220G>A (p.Arg407His)

Gene: POU3F3 (POU class 3 homeobox 3; plus strand). Cytogenetic location: 2q12.1.
Variant type: single nucleotide variant.
Coding change: c.1220G>A on transcript NM_006236.3 (MANE Select); coding-DNA position 1220, G replaced by A.
Protein change: p.Arg407His; replaces arginine 407 with histidine.
Molecular consequence: missense variant.
Genome position (GRCh38, 1-based): chr2:104,856,730, G>A. VCF-style: chr2-104856730-G-A. GRCh37 (hg19) VCF-style: chr2-105473188-G-A.
Other names: c.1220G>A, p.Arg407His (NM_001433704.1); short protein forms R407H.
Identifiers: ClinVar variation 4530639 (VCV004530639.1).